The following is an entry in ClinVar:

ClinVar aggregate classification (germline): Uncertain significance (1 of 4 stars; one submission).

Conditions:
Dilated cardiomyopathy 1G (CMD1G). Identifiers: Orphanet 154, MedGen C1858763, MONDO:0011400, OMIM 604145.
Autosomal recessive limb-girdle muscular dystrophy type 2J (LGMDR10). Also called: MUSCULAR DYSTROPHY, LIMB-GIRDLE, AUTOSOMAL RECESSIVE 10; Limb-girdle muscular dystrophy, type 2J. Identifiers: Orphanet 140922, MedGen C1837342, MONDO:0012127, OMIM 608807.

Submission:

Labcorp Genetics (formerly Invitae), Labcorp
Classification: Uncertain significance for Dilated cardiomyopathy 1G; Autosomal recessive limb-girdle muscular dystrophy type 2J. Last evaluated: 2023-03-10. Review status: criteria provided, single submitter. Criteria: Invitae Variant Classification Sherloc (09022015). Collection method: clinical testing. Allele origin: germline.
Comment: In summary, the available evidence is currently insufficient to determine the role of this variant in disease. Therefore, it has been classified as a Variant of Uncertain Significance. This variant is located in the M band of TTN (PMID: 25589632). Variants in this region may be relevant for neuromuscular disorders, but have not been definitively shown to cause cardiomyopathy (PMID: 23975875). Experimental studies and prediction algorithms are not available or were not evaluated, and the functional significance of this variant is currently unknown. ClinVar contains an entry for this variant (Variation ID: 1952902). This variant has not been reported in the literature in individuals affected with TTN-related conditions. Information on the frequency of this variant in the gnomAD database is not available, as this variant may be reported differently in the database. This sequence change replaces glycine, which is neutral and non-polar, with serine, which is neutral and polar, at codon 33769 of the TTN protein (p.Gly33769Ser).

Literature cited by the submitters: PubMed 25589632; PubMed 23975875.

NM_001267550.2(TTN):c.101305_101306delinsTC (p.Gly33769Ser)

Genes: TTN-AS1 (TTN antisense RNA 1; plus strand), TTN (titin; minus strand). Cytogenetic location: 2q31.2.
Variant type: Indel.
Coding change: c.101305_101306delinsTC on transcript NM_001267550.2 (MANE Select); coding-DNA positions 101305 to 101306, GG replaced by TC.
Protein change: p.Gly33769Ser; replaces glycine 33769 with serine.
Molecular consequence: missense variant.
Genome position (GRCh38, 1-based): chr2:178,535,309-178,535,310, CC replaced by GA on the plus strand (GG replaced by TC on the coding strand, the reverse complement: TTN is on the minus strand). VCF-style: chr2-178535309-CC-GA. GRCh37 (hg19) VCF-style: chr2-179400036-CC-GA.
Other names: c.96382_96383delinsTC, p.Gly32128Ser (NM_001256850.1); c.74110_74111delinsTC, p.Gly24704Ser (NM_003319.4); c.93601_93602delinsTC, p.Gly31201Ser (NM_133378.4); c.74485_74486delinsTC, p.Gly24829Ser (NM_133432.3); c.74686_74687delinsTC, p.Gly24896Ser (NM_133437.4); short protein forms G24704S, G24829S, G33769S, G31201S, G24896S, G32128S.
Identifiers: ClinVar variation 1952902 (VCV001952902.5), dbSNP rs2468570617, ClinGen allele CA2580064932.